The following is an entry in ClinVar:

NM_014049.5(ACAD9):c.1786G>A (p.Glu596Lys)

Genes: CFAP92 (cilia and flagella associated protein 92 (putative); minus strand), ACAD9 (acyl-CoA dehydrogenase family member 9; plus strand). Cytogenetic location: 3q21.3.
Variant type: single nucleotide variant.
Coding change: c.1786G>A on transcript NM_014049.5 (MANE Select); coding-DNA position 1786, G replaced by A.
Protein change: p.Glu596Lys; replaces glutamic acid 596 with lysine.
Molecular consequence: missense variant. On other transcripts: non-coding transcript variant (1), intron variant (3).
Genome position (GRCh38, 1-based): chr3:128,912,527, G>A. VCF-style: chr3-128912527-G-A. GRCh37 (hg19) VCF-style: chr3-128631370-G-A.
Other names: c.1417G>A, p.Glu473Lys (NM_001410805.1); c.2312-2194C>T (NM_001348521.2); c.2408-2194C>T (NM_001348520.2); c.3281-2194C>T (NM_001394090.1); short protein forms E596K, E473K.
Identifiers: ClinVar variation 3707164 (VCV003707164.2).

ClinVar aggregate classification (germline): Uncertain significance. Review status: criteria provided, multiple submitters, no conflicts (2 of 4 stars). 2 submissions from 2 submitters: Uncertain significance (2). Last evaluated 2024-12-04.

Conditions:
Acyl-CoA dehydrogenase 9 deficiency. Also called: Acyl-CoA dehydrogenase family, member 9, deficiency of; MITOCHONDRIAL COMPLEX I DEFICIENCY, NUCLEAR TYPE 20. Identifiers: Orphanet 99901, MedGen C4747517, MONDO:0012624, OMIM 611126.

gnomAD v4.1: 4 of 1,613,646 alleles (0.00025%); highest among the groups gnomAD compares: East Asian, 0.0022%; no homozygotes.

Submissions (2):

Labcorp Genetics (formerly Invitae), Labcorp
Classification: Uncertain significance. Last evaluated: 2024-12-04. Review status: criteria provided, single submitter. Criteria: Invitae Variant Classification Sherloc (09022015). Collection method: clinical testing. Allele origin: germline.
Comment: This sequence change replaces glutamic acid, which is acidic and polar, with lysine, which is basic and polar, at codon 596 of the ACAD9 protein (p.Glu596Lys). This variant is present in population databases (no rsID available, gnomAD 0.007%). This variant has not been reported in the literature in individuals affected with ACAD9-related conditions. Invitae Evidence Modeling of protein sequence and biophysical properties (such as structural, functional, and spatial information, amino acid conservation, physicochemical variation, residue mobility, and thermodynamic stability) indicates that this missense variant is not expected to disrupt ACAD9 protein function with a negative predictive value of 80%. In summary, the available evidence is currently insufficient to determine the role of this variant in disease. Therefore, it has been classified as a Variant of Uncertain Significance.

Revvity Omics, Revvity
Classification: Uncertain significance for Acyl-CoA dehydrogenase 9 deficiency. Last evaluated: 2023-10-03. Review status: criteria provided, single submitter. Criteria: ACMG Guidelines, 2015. Collection method: clinical testing. Allele origin: germline.